The following is an entry in ClinVar:

ClinVar aggregate classification (germline): Likely benign. Review status: criteria provided, multiple submitters, no conflicts (2 of 4 stars). 2 submissions from 2 submitters: Likely benign (2). Last evaluated 2024-08-29.

Conditions:
Familial sleep-related hypermotor epilepsy. Also called: Autosomal Dominant Sleep-Related Hypermotor (Hyperkinetic) Epilepsy. Identifiers: Orphanet 98784, MedGen C3696898, MONDO:0000030.

Allele frequency attached by ClinVar (database versions not stated): gnomAD exomes below 0.00001 and 0.00001; gnomAD 0.00001; TOPMed 0.00003; ExAC 0.00001.
gnomAD v4.1: 18 of 1,609,326 alleles (0.0011%); highest among the groups gnomAD compares: Non-Finnish European, 0.0014%; no homozygotes.

Submissions (2):

Labcorp Genetics (formerly Invitae), Labcorp
Classification: Likely benign. Last evaluated: 2024-08-29. Review status: criteria provided, single submitter. Criteria: Invitae Variant Classification Sherloc (09022015). Collection method: clinical testing. Allele origin: germline.

GeneDx
Classification: Likely benign. Last evaluated: 2018-02-22. Review status: criteria provided, single submitter. Criteria: GeneDx Variant Classification (06012015). Collection method: clinical testing. Allele origin: germline. Affected: yes.
Comment: This variant is considered likely benign or benign based on one or more of the following criteria: it is a conservative change, it occurs at a poorly conserved position in the protein, it is predicted to be benign by multiple in silico algorithms, and/or has population frequency not consistent with disease.

NM_000742.4(CHRNA2):c.1331C>G (p.Ser444Cys)

Gene: CHRNA2 (cholinergic receptor nicotinic alpha 2 subunit; minus strand). Cytogenetic location: 8p21.2.
Variant type: single nucleotide variant.
Coding change: c.1331C>G on transcript NM_000742.4 (MANE Select); coding-DNA position 1331, C replaced by G.
Protein change: p.Ser444Cys; replaces serine 444 with cysteine.
Molecular consequence: missense variant.
Genome position (GRCh38, 1-based): chr8:27,463,112, G>C on the plus strand (C>G on the coding strand, the complement: CHRNA2 is on the minus strand). VCF-style: chr8-27463112-G-C. GRCh37 (hg19) VCF-style: chr8-27320629-G-C.
Other names: c.1286C>G, p.Ser429Cys (NM_001282455.2); c.854C>G, p.Ser285Cys (NM_001347705.2, NM_001347706.2); c.737C>G, p.Ser246Cys (NM_001347707.2, NM_001347708.2); short protein forms S444C, S246C, S285C, S429C.
Identifiers: ClinVar variation 383690 (VCV000383690.6), dbSNP rs772465304, ClinGen allele CA4689478.
Genomic context (GRCh38, chr8:27,463,112, plus strand): 5'-GGTGATAGCAGCAGCTCACCCTCCTGCAGCAGAGCCTCAGCCTTGGGACCTGAGGCCCCA[G>C]AGTGCAGGTGGCCGTGGCTGCAGAGGGTGCCCACAGAGGGGGCCACATGACCTGCACATG-3'
Protein context (NP_000733.2, residues 434-454): GTLCSHGHLH[Ser444Cys]GASGPKAEAL